The following is an entry in ClinVar:

ClinVar aggregate classification (germline): Conflicting classifications of pathogenicity. Review status: criteria provided, conflicting classifications (1 of 4 stars). 2 submissions from 2 submitters: Pathogenic (1); Uncertain significance (1). Last evaluated 2026-04-02.

Conditions:
Hereditary cancer-predisposing syndrome. Also called: Hereditary neoplastic syndrome; Neoplastic Syndromes, Hereditary; Tumor predisposition; Hereditary Cancer Syndrome. Identifiers: Orphanet 140162, MedGen C0027672, MeSH D009386, MONDO:0015356.
EGFR-related lung cancer (EGFR). Identifiers: MedGen CN130014.

Submissions (2):

Ambry Genetics
Classification: Uncertain significance for Hereditary cancer-predisposing syndrome. Last evaluated: 2026-04-02. Review status: criteria provided, single submitter. Criteria: Ambry Variant Classification Scheme 2023. Collection method: clinical testing. Allele origin: germline.
Comment: The p.E884* variant (also known as c.2650G>T), located in coding exon 22 of the EGFR gene, results from a G to T substitution at nucleotide position 2650. This changes the amino acid from a glutamic acid to a stop codon within coding exon 22. This alteration is expected to result in loss of function by premature protein truncation or nonsense-mediated mRNA decay. Although biallelic loss of function of EGFR are known to cause EGFR-related neonatal inflammatory skin and bowel disease, such associations with EGFR-related lung cancer have not been reported. Based on the supporting evidence, this variant is expected to be causative of EGFR-related neonatal inflammatory skin and bowel disease when present along with a second pathogenic variant on the other allele; however, its clinical significance for EGFR-related lung cancer is unclear.

Labcorp Genetics (formerly Invitae), Labcorp
Classification: Pathogenic for EGFR-related lung cancer. Last evaluated: 2025-10-23. Review status: criteria provided, single submitter. Criteria: Invitae Variant Classification Sherloc (09022015). Collection method: clinical testing. Allele origin: germline.
Comment: This sequence change creates a premature translational stop signal (p.Glu884*) in the EGFR gene. It is expected to result in an absent or disrupted protein product. Loss-of-function variants in EGFR are known to be pathogenic (PMID: 7630400, 28726809, 29899996). This variant is not present in population databases (gnomAD no frequency). This variant has not been reported in the literature in individuals affected with EGFR-related conditions. ClinVar contains an entry for this variant (Variation ID: 1058215). Algorithms developed to predict the effect of sequence changes on RNA splicing suggest that this variant may disrupt the consensus splice site. For these reasons, this variant has been classified as Pathogenic.

Literature cited by the submitters: PubMed 7630400 (cited by Labcorp Genetics (formerly Invitae), Labcorp); PubMed 28726809 (cited by Labcorp Genetics (formerly Invitae), Labcorp); PubMed 29899996 (cited by Labcorp Genetics (formerly Invitae), Labcorp).

NM_005228.5(EGFR):c.2650G>T (p.Glu884Ter)

Gene: EGFR (epidermal growth factor receptor; plus strand). Cytogenetic location: 7p11.2.
Variant type: single nucleotide variant.
Coding change: c.2650G>T on transcript NM_005228.5 (MANE Select); coding-DNA position 2650, G replaced by T.
Protein change: p.Glu884Ter; replaces glutamic acid 884 with a stop codon.
Molecular consequence: nonsense.
Genome position (GRCh38, 1-based): chr7:55,192,790, G>T. VCF-style: chr7-55192790-G-T. GRCh37 (hg19) VCF-style: chr7-55260483-G-T.
Other names: c.2650G>T (NM_005228.3); c.2515G>T, p.Glu839Ter (NM_001346897.2, NM_001346899.2); c.2650G>T, p.Glu884Ter (NM_001346898.2); c.2491G>T, p.Glu831Ter (NM_001346900.2); c.1849G>T, p.Glu617Ter (NM_001346941.2); short protein forms E617*, E831*, E839*, E884*.
Identifiers: ClinVar variation 1058215 (VCV001058215.8), dbSNP rs2128965518, ClinGen allele CA367580794.